The following is an entry in ClinVar:

ClinVar aggregate classification (germline): Pathogenic (1 of 4 stars; one submission).

Conditions:
Hereditary cancer-predisposing syndrome. Also called: Neoplastic Syndromes, Hereditary; Tumor predisposition; Hereditary Cancer Syndrome; Hereditary neoplastic syndrome. Identifiers: Orphanet 140162, MedGen C0027672, MeSH D009386, MONDO:0015356.

Submission:

Ambry Genetics
Classification: Pathogenic for Hereditary cancer-predisposing syndrome. Last evaluated: 2025-10-30. Review status: criteria provided, single submitter. Criteria: Ambry Variant Classification Scheme 2023. Collection method: clinical testing. Allele origin: germline.
Comment: The c.760_766delCAAGTAA pathogenic mutation, located in coding exon 6 of the FH gene, results from a deletion of 7 nucleotides at nucleotide positions 760 to 766, causing a translational frameshift with a predicted alternate stop codon (p.Q254Nfs*4). This variant was reported in individual(s) with features consistent with FH-related tumor predisposition (Ambry internal data). This variant is considered to be rare based on population cohorts in the Genome Aggregation Database (gnomAD). This alteration is expected to result in loss of function by premature protein truncation or nonsense-mediated mRNA decay. As such, this alteration is interpreted as a disease-causing mutation.

NM_000143.4(FH):c.760_766del (p.Gln254fs)

Gene: FH (fumarate hydratase; minus strand). Cytogenetic location: 1q43.
Variant type: Deletion.
Coding change: c.760_766del on transcript NM_000143.4 (MANE Select); coding-DNA positions 760 to 766, 7 bases deleted (CAAGTAA; older notation c.760_766delCAAGTAA).
Protein change: p.Gln254fs; shifts the reading frame from glutamine 254.
Molecular consequence: frameshift variant.
Genome position (GRCh38, 1-based): chr1:241,506,141-241,506,147, TTACTTG deleted on the plus strand (CAAGTAA on the coding strand, the reverse complement: FH is on the minus strand); deleting any 7 consecutive bases within chr1:241,506,141-241,506,149 gives the same sequence; the c. name uses the placement nearest the transcript's 3' end. VCF-style (leftmost placement, unchanged base first): chr1-241506140-TTTACTTG-T. GRCh37 (hg19) VCF-style: chr1-241669440-TTTACTTG-T.
Other names: c.760_766delCAAGTAA (NM_000143.3); short protein forms Q254fs.
Identifiers: ClinVar variation 4642151 (VCV004642151.1).